The following is an entry in ClinVar:

ClinVar aggregate classification (germline): Likely benign (1 of 4 stars; one submission).

Allele frequency attached by ClinVar (database versions not stated): gnomAD exomes 0.00006.

Submission:

CeGaT Center for Human Genetics Tuebingen
Classification: Likely benign. Last evaluated: 2024-10-01. Review status: criteria provided, single submitter. Criteria: CeGaT Center For Human Genetics Tuebingen Variant Classification Criteria Version 2. Collection method: clinical testing. Allele origin: germline. Affected: yes. Observed: 3 variant alleles.
Comment: BRD4: BP4, BP7

NM_001379291.1(BRD4):c.3063T>C (p.His1021=)

Gene: BRD4 (bromodomain containing 4; minus strand). Cytogenetic location: 19p13.12.
Variant type: single nucleotide variant.
Coding change: c.3063T>C on transcript NM_001379291.1 (MANE Select); coding-DNA position 3063, T replaced by C.
Protein change: p.His1021=; no amino-acid change (histidine 1021 retained).
Molecular consequence: synonymous variant.
Genome position (GRCh38, 1-based): chr19:15,243,006, A>G on the plus strand (T>C on the coding strand, the complement: BRD4 is on the minus strand). VCF-style: chr19-15243006-A-G. GRCh37 (hg19) VCF-style: chr19-15353817-A-G.
Other names: c.3063T>C, p.His1021= (NM_058243.3).
Identifiers: ClinVar variation 2649449 (VCV002649449.24), dbSNP rs1047153116, ClinGen allele CA305788758.